The following is an entry in ClinVar:

NM_000170.3(GLDC):c.1020G>C (p.Leu340Phe)

Gene: GLDC (glycine decarboxylase; minus strand). Cytogenetic location: 9p24.1.
Variant type: single nucleotide variant.
Coding change: c.1020G>C on transcript NM_000170.3 (MANE Select); coding-DNA position 1020, G replaced by C.
Protein change: p.Leu340Phe; replaces leucine 340 with phenylalanine.
Molecular consequence: missense variant.
Genome position (GRCh38, 1-based): chr9:6,604,626, C>G on the plus strand (G>C on the coding strand, the complement: GLDC is on the minus strand). VCF-style: chr9-6604626-C-G. GRCh37 (hg19) VCF-style: chr9-6604626-C-G.
Other names: short protein forms L340F.
Identifiers: ClinVar variation 2163527 (VCV002163527.1), dbSNP rs563039693, ClinGen allele CA4980898.
Genomic context (GRCh38, chr9:6,604,626, plus strand): 5'-AGAGAAACATGAGCCCCTTTACCTTGTTACCCCCACCATTCTTCCAGGCATCATTCTCAC[C>G]AAGCTTTCTCGGACAGCAAAAAATGCTGCATGGGGTCCCCCATAGCCCAGTGGCACTCCA-3'
Protein context (NP_000161.2, residues 330-350): HAAFFAVRES[Leu340Phe]VRMMPGRMVG

ClinVar aggregate classification (germline): Uncertain significance (1 of 4 stars; one submission).

Conditions:
Glycine encephalopathy. Also called: Non-ketotic hyperglycinemia; Nonketotic hyperglycinemia. Identifiers: Orphanet 407, MedGen C0751748, MONDO:0011612, HP:0008288.

Allele frequency attached by ClinVar (database versions not stated): gnomAD 0.00001; ExAC 0.00007; 1000 Genomes Project 30x 0.00016; 1000 Genomes Project 0.00020.
gnomAD v4.1: 34 of 1,613,276 alleles (0.0021%); highest among the groups gnomAD compares: South Asian, 0.036%; no homozygotes.

Submission:

Labcorp Genetics (formerly Invitae), Labcorp
Classification: Uncertain significance for Glycine encephalopathy. Last evaluated: 2021-08-31. Review status: criteria provided, single submitter. Criteria: Invitae Variant Classification Sherloc (09022015). Collection method: clinical testing. Allele origin: germline.
Comment: This sequence change replaces leucine with phenylalanine at codon 340 of the GLDC protein (p.Leu340Phe). The leucine residue is highly conserved and there is a small physicochemical difference between leucine and phenylalanine. This variant is present in population databases (rs563039693, ExAC 0.05%). This variant has not been reported in the literature in individuals affected with GLDC-related conditions. Algorithms developed to predict the effect of missense changes on protein structure and function are either unavailable or do not agree on the potential impact of this missense change (SIFT: "Deleterious"; PolyPhen-2: "Benign"; Align-GVGD: "Class C0"). In summary, the available evidence is currently insufficient to determine the role of this variant in disease. Therefore, it has been classified as a Variant of Uncertain Significance.